The following is an entry in ClinVar:

ClinVar aggregate classification (germline): Uncertain significance. Review status: criteria provided, multiple submitters, no conflicts (2 of 4 stars). 2 submissions from 2 submitters: Uncertain significance (2). Last evaluated 2026-01-02.

Conditions:
Duchenne muscular dystrophy (DMD). Also called: MUSCULAR DYSTROPHY, PSEUDOHYPERTROPHIC PROGRESSIVE, DUCHENNE TYPE; Duchenne Muscular Dystrophy (DMD). Identifiers: Orphanet 98896, MedGen C0013264, MONDO:0010679, OMIM 310200.

Submissions (2):

Labcorp Genetics (formerly Invitae), Labcorp
Classification: Uncertain significance for Duchenne muscular dystrophy. Last evaluated: 2026-01-02. Review status: criteria provided, single submitter. Criteria: Invitae Variant Classification Sherloc (09022015). Collection method: clinical testing. Allele origin: germline.
Comment: This sequence change replaces glutamic acid, which is acidic and polar, with lysine, which is basic and polar, at codon 2890 of the DMD protein (p.Glu2890Lys). This variant also falls at the last nucleotide of exon 58, which is part of the consensus splice site for this exon. This variant is not present in population databases (gnomAD no frequency). This missense change has been observed in individual(s) with Duchenne muscular dystrophy (PMID: 19959795). ClinVar contains an entry for this variant (Variation ID: 2138506). An algorithm developed to predict the effect of missense changes on protein structure and function (PolyPhen-2) suggests that this variant is likely to be disruptive. Variants that disrupt the consensus splice site are a relatively common cause of aberrant splicing (PMID: 17576681, 9536098). Algorithms developed to predict the effect of sequence changes on RNA splicing suggest that this variant may disrupt the consensus splice site. In summary, the available evidence is currently insufficient to determine the role of this variant in disease. Therefore, it has been classified as a Variant of Uncertain Significance.

Women's Health and Genetics/Laboratory Corporation of America, LabCorp
Classification: Uncertain significance. Last evaluated: 2024-06-10. Review status: criteria provided, single submitter. Criteria: LabCorp Variant Classification Summary - May 2015. Collection method: clinical testing. Allele origin: germline.
Comment: Variant summary: DMD c.8668G>A (p.Glu2890Lys) results in a conservative amino acid change in the encoded protein sequence. Four of five in-silico tools predict a benign effect of the variant on protein function. Several computational tools predict a significant impact on normal splicing: Two predict the variant abolishes a 5' splicing donor site. Two predict the variant weakens a 5' donor site. However, these predictions have yet to be confirmed by functional studies. The variant was absent in 182945 control chromosomes. The available data on variant occurrences in the general population are insufficient to allow any conclusion about variant significance. c.8668G>A has been reported in the literature in individuals affected with Duchenne Muscular Dystrophy (e.g. Torella_2010, Nicolas_2012). These data do not allow any conclusion about variant significance. To our knowledge, no experimental evidence demonstrating an impact on protein function has been reported. The following publications have been ascertained in the context of this evaluation (PMID: 22776072, 19959795). ClinVar contains an entry for this variant (Variation ID: 2138506). Based on the evidence outlined above, the variant was classified as uncertain significance.

Literature cited by the submitters: PubMed 19959795 (cited by Labcorp Genetics (formerly Invitae), Labcorp and Women's Health and Genetics/Laboratory Corporation of America, LabCorp); PubMed 17576681 (cited by Labcorp Genetics (formerly Invitae), Labcorp); PubMed 9536098 (cited by Labcorp Genetics (formerly Invitae), Labcorp); PubMed 22776072 (cited by Women's Health and Genetics/Laboratory Corporation of America, LabCorp).

NM_004006.3(DMD):c.8668G>A (p.Glu2890Lys)

Gene: DMD (dystrophin; minus strand). Cytogenetic location: Xp21.2.
Variant type: single nucleotide variant.
Coding change: c.8668G>A on transcript NM_004006.3 (MANE Select); coding-DNA position 8668, G replaced by A.
Protein change: p.Glu2890Lys; replaces glutamic acid 2890 with lysine.
Molecular consequence: missense variant.
Genome position (GRCh38, 1-based): chrX:31,478,983, C>T on the plus strand (G>A on the coding strand, the complement: DMD is on the minus strand). VCF-style: chrX-31478983-C-T. GRCh37 (hg19) VCF-style: chrX-31497100-C-T.
Other names: c.8644G>A, p.Glu2882Lys (NM_000109.4); c.8656G>A, p.Glu2886Lys (NM_004009.3); c.8299G>A, p.Glu2767Lys (NM_004010.3); c.4645G>A, p.Glu1549Lys (NM_004011.4); c.4636G>A, p.Glu1546Lys (NM_004012.4); c.1288G>A, p.Glu430Lys (NM_004013.3, NM_004020.4, NM_004021.3 and 2 more transcripts); c.481G>A, p.Glu161Lys (NM_004014.3); short protein forms E2890K, E1546K, E2882K, E2886K, E1549K, E161K, E2767K, E430K.
Identifiers: ClinVar variation 2138506 (VCV002138506.5), dbSNP rs398124076, ClinGen allele CA267173.